The following is an entry in ClinVar:

NM_139319.3(SLC17A8):c.1493A>G (p.Tyr498Cys)

Gene: SLC17A8 (solute carrier family 17 member 8; plus strand). Cytogenetic location: 12q23.1.
Variant type: single nucleotide variant.
Coding change: c.1493A>G on transcript NM_139319.3 (MANE Select); coding-DNA position 1493, A replaced by G.
Protein change: p.Tyr498Cys; replaces tyrosine 498 with cysteine.
Molecular consequence: missense variant.
Genome position (GRCh38, 1-based): chr12:100,419,882, A>G. VCF-style: chr12-100419882-A-G. GRCh37 (hg19) VCF-style: chr12-100813660-A-G.
Other names: c.1343A>G, p.Tyr448Cys (NM_001145288.2); short protein forms Y448C, Y498C.
Identifiers: ClinVar variation 1311323 (VCV001311323.2), dbSNP rs1952934959, ClinGen allele CA386220319.

ClinVar aggregate classification (germline): Uncertain significance (1 of 4 stars; one submission).

Allele frequency attached by ClinVar (database versions not stated): gnomAD exomes below 0.00001.
gnomAD v4.1: 3 of 1,614,090 alleles (0.00019%); highest among the groups gnomAD compares: African/African-American, 0.0013%; no homozygotes.

Submission:

GeneDx
Classification: Uncertain significance. Last evaluated: 2019-12-30. Review status: criteria provided, single submitter. Criteria: GeneDx Variant Classification Process June 2021. Collection method: clinical testing. Allele origin: germline. Affected: yes.
Comment: Not observed in large population cohorts (Lek et al., 2016); In silico analysis, which includes protein predictors and evolutionary conservation, supports a deleterious effect; Has not been previously published as pathogenic or benign to our knowledge